The following is an entry in ClinVar:

ClinVar aggregate classification (germline): Uncertain significance. Review status: criteria provided, multiple submitters, no conflicts (2 of 4 stars). 2 submissions from 2 submitters: Uncertain significance (2). Last evaluated 2023-04-06.

Conditions:
Hereditary cancer-predisposing syndrome. Also called: Tumor predisposition; Hereditary Cancer Syndrome; Hereditary neoplastic syndrome; Neoplastic Syndromes, Hereditary. Identifiers: Orphanet 140162, MedGen C0027672, MeSH D009386, MONDO:0015356.
Retinoblastoma (RB1). Also called: RETINOBLASTOMA, SOMATIC. Identifiers: Orphanet 790, MedGen C0035335, MeSH D012175, MONDO:0008380, OMIM 180200, HP:0009919. Disease mechanism: loss of function. Inheritance: Both sporadic and heritable forms are tested..

Allele frequency attached by ClinVar (database versions not stated): gnomAD exomes below 0.00001.
gnomAD v4.1: 1 of 1,585,544 alleles (0.000063%); highest among the groups gnomAD compares: Non-Finnish European, 0.000087%; no homozygotes.

Submissions (2):

Labcorp Genetics (formerly Invitae), Labcorp
Classification: Uncertain significance for Retinoblastoma. Last evaluated: 2023-04-06. Review status: criteria provided, single submitter. Criteria: Invitae Variant Classification Sherloc (09022015). Collection method: clinical testing. Allele origin: germline.
Comment: In summary, the available evidence is currently insufficient to determine the role of this variant in disease. Therefore, it has been classified as a Variant of Uncertain Significance. Advanced modeling of protein sequence and biophysical properties (such as structural, functional, and spatial information, amino acid conservation, physicochemical variation, residue mobility, and thermodynamic stability) performed at Invitae indicates that this missense variant is not expected to disrupt RB1 protein function. This sequence change replaces asparagine, which is neutral and polar, with aspartic acid, which is acidic and polar, at codon 399 of the RB1 protein (p.Asn399Asp). This variant is not present in population databases (gnomAD no frequency). This variant has not been reported in the literature in individuals affected with RB1-related conditions. ClinVar contains an entry for this variant (Variation ID: 1471531).

Ambry Genetics
Classification: Uncertain significance for Hereditary cancer-predisposing syndrome. Last evaluated: 2022-09-04. Review status: criteria provided, single submitter. Criteria: Ambry Variant Classification Scheme 2023. Collection method: clinical testing. Allele origin: germline.
Comment: The p.N399D variant (also known as c.1195A>G), located in coding exon 12 of the RB1 gene, results from an A to G substitution at nucleotide position 1195. The asparagine at codon 399 is replaced by aspartic acid, an amino acid with highly similar properties. This amino acid position is conserved. In addition, this alteration is predicted to be tolerated by in silico analysis. Since supporting evidence is limited at this time, the clinical significance of this alteration remains unclear.

NM_000321.3(RB1):c.1195A>G (p.Asn399Asp)

Gene: RB1 (RB transcriptional corepressor 1; plus strand). Cytogenetic location: 13q14.2.
Variant type: single nucleotide variant.
Coding change: c.1195A>G on transcript NM_000321.3 (MANE Select); coding-DNA position 1195, A replaced by G.
Protein change: p.Asn399Asp; replaces asparagine 399 with aspartic acid.
Molecular consequence: missense variant.
Genome position (GRCh38, 1-based): chr13:48,373,472, A>G. VCF-style: chr13-48373472-A-G. GRCh37 (hg19) VCF-style: chr13-48947608-A-G.
Other names: short protein forms N399D.
Identifiers: ClinVar variation 1471531 (VCV001471531.10), dbSNP rs2138131269, ClinGen allele CA388161628.